The following is an entry in ClinVar:

ClinVar aggregate classification (germline): Uncertain significance (1 of 4 stars; one submission).

Allele frequency attached by ClinVar (database versions not stated): TOPMed 0.00001.
gnomAD v4.1: 9 of 1,211,845 alleles (0.00074%); highest among the groups gnomAD compares: East Asian, 0.003%; no homozygotes.

Submission:

Labcorp Genetics (formerly Invitae), Labcorp
Classification: Uncertain significance. Last evaluated: 2022-03-09. Review status: criteria provided, single submitter. Criteria: Invitae Variant Classification Sherloc (09022015). Collection method: clinical testing. Allele origin: germline.
Comment: This sequence change replaces arginine, which is basic and polar, with glutamine, which is neutral and polar, at codon 631 of the AMER1 protein (p.Arg631Gln). In summary, the available evidence is currently insufficient to determine the role of this variant in disease. Therefore, it has been classified as a Variant of Uncertain Significance. Algorithms developed to predict the effect of missense changes on protein structure and function output the following: SIFT: "Tolerated"; PolyPhen-2: "Benign"; Align-GVGD: "Class C0". The glutamine amino acid residue is found in multiple mammalian species, which suggests that this missense change does not adversely affect protein function. This variant has not been reported in the literature in individuals affected with AMER1-related conditions. This variant is present in population databases (rs773684332, gnomAD 0.008%).

NM_152424.4(AMER1):c.1892G>A (p.Arg631Gln)

Gene: AMER1 (APC membrane recruitment protein 1; minus strand). Cytogenetic location: Xq11.2.
Variant type: single nucleotide variant.
Coding change: c.1892G>A on transcript NM_152424.4 (MANE Select); coding-DNA position 1892, G replaced by A.
Protein change: p.Arg631Gln; replaces arginine 631 with glutamine.
Molecular consequence: missense variant.
Genome position (GRCh38, 1-based): chrX:64,191,395, C>T on the plus strand (G>A on the coding strand, the complement: AMER1 is on the minus strand). VCF-style: chrX-64191395-C-T. GRCh37 (hg19) VCF-style: chrX-63411275-C-T.
Other names: short protein forms R631Q.
Identifiers: ClinVar variation 2145985 (VCV002145985.4), dbSNP rs773684332, ClinGen allele CA10432271.